The following is an entry in ClinVar:

NM_012470.4(TNPO3):c.1841G>A (p.Arg614His)

Gene: TNPO3 (transportin 3; minus strand). Cytogenetic location: 7q32.1.
Variant type: single nucleotide variant.
Coding change: c.1841G>A on transcript NM_012470.4 (MANE Select); coding-DNA position 1841, G replaced by A.
Protein change: p.Arg614His; replaces arginine 614 with histidine.
Molecular consequence: missense variant. On other transcripts: non-coding transcript variant (16).
Genome position (GRCh38, 1-based): chr7:128,982,266, C>T on the plus strand (G>A on the coding strand, the complement: TNPO3 is on the minus strand). VCF-style: chr7-128982266-C-T. GRCh37 (hg19) VCF-style: chr7-128622320-C-T.
Other names: c.1649G>A, p.Arg550His (NM_001191028.3, NM_001382223.1); c.1943G>A, p.Arg648His (NM_001382216.1); c.1922G>A, p.Arg641His (NM_001382217.1); c.1841G>A, p.Arg614His (NM_001382218.1, NM_001382220.1); c.1733G>A, p.Arg578His (NM_001382219.1); c.1697G>A, p.Arg566His (NM_001382221.1); c.1694G>A, p.Arg565His (NM_001382222.1); c.1841G>A (NM_012470.3); short protein forms R550H, R565H, R578H, R641H, R648H, R566H, R614H.
Identifiers: ClinVar variation 1043244 (VCV001043244.9), dbSNP rs781272417, ClinGen allele CA4478048.

ClinVar aggregate classification (germline): Conflicting classifications of pathogenicity. Review status: criteria provided, conflicting classifications (1 of 4 stars). 2 submissions from 2 submitters: Uncertain significance (1); Likely benign (1). Last evaluated 2024-08-29.

Conditions:
Autosomal dominant limb-girdle muscular dystrophy type 1F (LGMDD2). Also called: MUSCULAR DYSTROPHY, LIMB-GIRDLE, AUTOSOMAL DOMINANT 2; Limb-girdle muscular dystrophy, type 1F. Identifiers: Orphanet 55595, MedGen C1842062, MONDO:0012034, OMIM 608423.

Allele frequency attached by ClinVar (database versions not stated): gnomAD exomes below 0.00001; ExAC 0.00001; gnomAD 0.00001; TOPMed 0.00001.
gnomAD v4.1: 15 of 1,612,678 alleles (0.00093%); highest among the groups gnomAD compares: Non-Finnish European, 0.0013%; no homozygotes.

Submissions (2):

Labcorp Genetics (formerly Invitae), Labcorp
Classification: Likely benign for Autosomal dominant limb-girdle muscular dystrophy type 1F. Last evaluated: 2024-08-29. Review status: criteria provided, single submitter. Criteria: Invitae Variant Classification Sherloc (09022015). Collection method: clinical testing. Allele origin: germline.

GeneDx
Classification: Uncertain significance. Last evaluated: 2022-12-13. Review status: criteria provided, single submitter. Criteria: GeneDx Variant Classification Process June 2021. Collection method: clinical testing. Allele origin: germline. Affected: yes.
Comment: Not observed at significant frequency in large population cohorts (gnomAD); In silico analysis supports that this missense variant has a deleterious effect on protein structure/function; Has not been previously published as pathogenic or benign to our knowledge